The following is an entry in ClinVar:

NM_000321.3(RB1):c.1973C>A (p.Ala658Asp)

Gene: RB1 (RB transcriptional corepressor 1; plus strand). Cytogenetic location: 13q14.2.
Variant type: single nucleotide variant.
Coding change: c.1973C>A on transcript NM_000321.3 (MANE Select); coding-DNA position 1973, C replaced by A.
Protein change: p.Ala658Asp; replaces alanine 658 with aspartic acid.
Molecular consequence: missense variant.
Genome position (GRCh38, 1-based): chr13:48,459,700, C>A. VCF-style: chr13-48459700-C-A. GRCh37 (hg19) VCF-style: chr13-49033836-C-A.
Other names: L11910:g.156705C>A; short protein forms A658D.
Identifiers: ClinVar variation 126793 (VCV000126793.2), dbSNP rs587778834, ClinGen allele CA026416.

ClinVar aggregate classification (germline): Uncertain significance. Review status: criteria provided, single submitter (1 of 4 stars). 2 submissions from 2 submitters: Uncertain significance (1). 1 of the submissions does not count toward it. Last evaluated 2019-05-28.

Conditions:
Retinoblastoma (RB1). Also called: RETINOBLASTOMA, SOMATIC. Identifiers: Orphanet 790, MedGen C0035335, MeSH D012175, MONDO:0008380, OMIM 180200, HP:0009919. Disease mechanism: loss of function. Inheritance: Both sporadic and heritable forms are tested..

Submissions (2):

Mendelics
Classification: Uncertain significance for Retinoblastoma. Last evaluated: 2019-05-28. Review status: criteria provided, single submitter. Criteria: Mendelics Assertion Criteria 2017. Collection method: clinical testing. Allele origin: unknown.

Genetic Diagnostic Laboratory, University of Pennsylvania School of Medicine
Classification: Pathogenic for Retinoblastoma. Last evaluated: 2013-09-16. Review status: no assertion criteria provided. Collection method: research. Allele origin: somatic. Affected: yes. Not counted in ClinVar's aggregate classification.
Comment: Damaging according to PolyPhen